The following is an entry in ClinVar:

ClinVar aggregate classification (germline): Uncertain significance (1 of 4 stars; one submission).

Conditions:
Marfan syndrome (MFS). Also called: MARFAN SYNDROME, TYPE I; Marfan syndrome type 1; Marfan's syndrome; Marfan syndrome, classic; FBN1-Related Marfan Syndrome. Identifiers: Orphanet 284963, Orphanet 558, MedGen C0024796, MONDO:0007947, OMIM 154700.
Familial thoracic aortic aneurysm and aortic dissection (TAAD). Also called: Thoracic aortic aneurysms and dissections. Identifiers: Orphanet 91387, MedGen C4707243, MONDO:0019625.

Submission:

Labcorp Genetics (formerly Invitae), Labcorp
Classification: Uncertain significance for Marfan syndrome; Familial thoracic aortic aneurysm and aortic dissection. Last evaluated: 2024-11-27. Review status: criteria provided, single submitter. Criteria: Invitae Variant Classification Sherloc (09022015). Collection method: clinical testing. Allele origin: germline.
Comment: This sequence change replaces alanine, which is neutral and non-polar, with valine, which is neutral and non-polar, at codon 2765 of the FBN1 protein (p.Ala2765Val). This variant is not present in population databases (gnomAD no frequency). This variant has not been reported in the literature in individuals affected with FBN1-related conditions. Invitae Evidence Modeling of protein sequence and biophysical properties (such as structural, functional, and spatial information, amino acid conservation, physicochemical variation, residue mobility, and thermodynamic stability) indicates that this missense variant is not expected to disrupt FBN1 protein function with a negative predictive value of 95%. In summary, the available evidence is currently insufficient to determine the role of this variant in disease. Therefore, it has been classified as a Variant of Uncertain Significance.

NM_000138.5(FBN1):c.8294C>T (p.Ala2765Val)

Gene: FBN1 (fibrillin 1; minus strand). Cytogenetic location: 15q21.1.
Variant type: single nucleotide variant.
Coding change: c.8294C>T on transcript NM_000138.5 (MANE Select); coding-DNA position 8294, C replaced by T.
Protein change: p.Ala2765Val; replaces alanine 2765 with valine.
Molecular consequence: missense variant.
Genome position (GRCh38, 1-based): chr15:48,411,312, G>A on the plus strand (C>T on the coding strand, the complement: FBN1 is on the minus strand). VCF-style: chr15-48411312-G-A. GRCh37 (hg19) VCF-style: chr15-48703509-G-A.
Other names: c.8294C>T, p.Ala2765Val (NM_001406716.1); short protein forms A2765V.
Identifiers: ClinVar variation 3754035 (VCV003754035.2).
Genomic context (GRCh38, chr15:48,411,312, plus strand): 5'-GTAAGAGCTGGAAGGAGTTCTAGGATTCGAACCTTGTTACTGACGTGGGAAATATTGAAA[G>A]CAAAGATGGCTGTCTTCTCAACATCCCAACTTGCAAGACTCACATTGGCTTCTGTCTCAG-3'
Protein context (NP_000129.3, residues 2755-2775): SWDVEKTAIF[Ala2765Val]FNISHVSNKV